The following is an entry in ClinVar:

ClinVar aggregate classification (germline): Pathogenic (1 of 4 stars; one submission).

Conditions:
Mucopolysaccharidosis, MPS-IV-A (MPS4A). Also called: MORQUIO SYNDROME A; GALACTOSAMINE-6-SULFATASE DEFICIENCY; GALNS DEFICIENCY; MORQUIO A DISEASE; MPS IVA; Mucopolysaccharidosis type IV A. Identifiers: Orphanet 309297, Orphanet 582, MedGen C0086651, MONDO:0009659, OMIM 253000.

Submission:

Department of Genetics and Endocrinology, Guangzhou Women and Children’s Medical Center
Classification: Pathogenic for Mucopolysaccharidosis, MPS-IV-A. Last evaluated: 2026-08-20. Review status: criteria provided, single submitter. Criteria: ACMG Guidelines, 2015. Collection method: clinical testing. Allele origin: germline. Affected: yes.
Comment: PVS1: frameshift deletion (p.A6Rfs*123) in signal peptide, predicted to result in NMD or protein truncation; PM2: absent from population databases (gnomAD); PP4: patient phenotype is highly specific for MPS IVA.

NM_000512.5(GALNS):c.16del (p.Ala6fs)

Genes: TRAPPC2L (trafficking protein particle complex subunit 2L; plus strand), GALNS (galactosamine (N-acetyl)-6-sulfatase; minus strand), LOC130059762 (ATAC-STARR-seq lymphoblastoid silent region 7883; plus strand). Cytogenetic location: 16q24.3.
Variant type: Deletion.
Coding change: c.16del on transcript NM_000512.5 (MANE Select); coding-DNA position 16, one base deleted (G; older notation c.16delG).
Protein change: p.Ala6fs; shifts the reading frame from alanine 6.
Molecular consequence: frameshift variant. On other transcripts: 5 prime UTR variant (2).
Genome position (GRCh38, 1-based): chr16:88,856,862, C deleted on the plus strand (G on the coding strand, the reverse complement: GALNS is on the minus strand). VCF-style (leftmost placement, unchanged base first): chr16-88856861-GC-G. GRCh37 (hg19) VCF-style: chr16-88923269-GC-G.
Other names: c.-416del (NM_001323543.2); c.-137del (NM_001323544.2); c.16delG (NM_000512.5); short protein forms A6fs.
Identifiers: ClinVar variation 4887002 (VCV004887002.1).